The following is an entry in ClinVar:

NM_001144967.3(NEDD4L):c.413A>G (p.His138Arg)

Gene: NEDD4L (NEDD4 like E3 ubiquitin protein ligase; plus strand). Cytogenetic location: 18q21.31.
Variant type: single nucleotide variant.
Coding change: c.413A>G on transcript NM_001144967.3 (MANE Select); coding-DNA position 413, A replaced by G.
Protein change: p.His138Arg; replaces histidine 138 with arginine.
Molecular consequence: missense variant.
Genome position (GRCh38, 1-based): chr18:58,323,234, A>G. VCF-style: chr18-58323234-A-G. GRCh37 (hg19) VCF-style: chr18-55990466-A-G.
Other names: c.413A>G (NM_015277.5); c.50A>G, p.His17Arg (NM_001144964.1, NM_001144965.2, NM_001144966.3 and 2 more transcripts); c.389A>G, p.His130Arg (NM_001144968.2, NM_001144969.2); c.413A>G, p.His138Arg (NM_001243960.2, NM_015277.6); short protein forms H138R, H17R, H130R.
Identifiers: ClinVar variation 2131716 (VCV002131716.5), dbSNP rs2516069198, ClinGen allele CA402551755.

ClinVar aggregate classification (germline): Uncertain significance. Review status: criteria provided, multiple submitters, no conflicts (2 of 4 stars). 2 submissions from 2 submitters: Uncertain significance (2). Last evaluated 2023-05-18.

Submissions (2):

GeneDx
Classification: Uncertain significance. Last evaluated: 2023-05-18. Review status: criteria provided, single submitter. Criteria: GeneDx Variant Classification Process June 2021. Collection method: clinical testing. Allele origin: germline. Affected: yes.
Comment: Not observed at significant frequency in large population cohorts (gnomAD); In silico analysis supports that this missense variant has a deleterious effect on protein structure/function; Has not been previously published as pathogenic or benign to our knowledge

Labcorp Genetics (formerly Invitae), Labcorp
Classification: Uncertain significance. Last evaluated: 2022-04-29. Review status: criteria provided, single submitter. Criteria: Invitae Variant Classification Sherloc (09022015). Collection method: clinical testing. Allele origin: germline.
Comment: In summary, the available evidence is currently insufficient to determine the role of this variant in disease. Therefore, it has been classified as a Variant of Uncertain Significance. Algorithms developed to predict the effect of missense changes on protein structure and function (SIFT, PolyPhen-2, Align-GVGD) all suggest that this variant is likely to be tolerated. This variant has not been reported in the literature in individuals affected with NEDD4L-related conditions. This variant is not present in population databases (gnomAD no frequency). This sequence change replaces histidine, which is basic and polar, with arginine, which is basic and polar, at codon 138 of the NEDD4L protein (p.His138Arg).